The following is an entry in ClinVar:

ClinVar aggregate classification (germline): Uncertain significance (1 of 4 stars; one submission).

Conditions:
Cardiovascular phenotype. Identifiers: MedGen CN230736.

Submission:

Ambry Genetics
Classification: Uncertain significance for Cardiovascular phenotype. Last evaluated: 2020-03-24. Review status: criteria provided, single submitter. Criteria: Ambry Variant Classification Scheme 2023. Collection method: clinical testing. Allele origin: germline.
Comment: The p.P10417A variant (also known as c.31249C>G), located in coding exon 125 of the TTN gene, results from a C to G substitution at nucleotide position 31249. The proline at codon 10417 is replaced by alanine, an amino acid with highly similar properties. This amino acid position is highly conserved in available vertebrate species. In addition, this alteration is predicted to be tolerated by in silico analysis. Since supporting evidence is limited at this time, the clinical significance of this alteration remains unclear.

NM_001267550.2(TTN):c.58444C>G (p.Pro19482Ala)

Genes: TTN (titin; minus strand), TTN-AS1 (TTN antisense RNA 1; plus strand). Cytogenetic location: 2q31.2.
Variant type: single nucleotide variant.
Coding change: c.58444C>G on transcript NM_001267550.2 (MANE Select); coding-DNA position 58444, C replaced by G.
Protein change: p.Pro19482Ala; replaces proline 19482 with alanine.
Molecular consequence: missense variant.
Genome position (GRCh38, 1-based): chr2:178,593,856, G>C on the plus strand (C>G on the coding strand, the complement: TTN is on the minus strand). VCF-style: chr2-178593856-G-C. GRCh37 (hg19) VCF-style: chr2-179458583-G-C.
Other names: c.53521C>G, p.Pro17841Ala (NM_001256850.1); c.31249C>G, p.Pro10417Ala (NM_003319.4); c.50740C>G, p.Pro16914Ala (NM_133378.4); c.31624C>G, p.Pro10542Ala (NM_133432.3); c.31825C>G, p.Pro10609Ala (NM_133437.4); short protein forms P10417A, P10542A, P17841A, P10609A, P16914A, P19482A.
Identifiers: ClinVar variation 1727880 (VCV001727880.2), dbSNP rs758990147, ClinGen allele CA349506257.